The following is an entry in ClinVar:

NM_006164.5(NFE2L2):c.1619T>G (p.Leu540Arg)

Gene: NFE2L2 (NFE2 like bZIP transcription factor 2; minus strand). Cytogenetic location: 2q31.2.
Variant type: single nucleotide variant.
Coding change: c.1619T>G on transcript NM_006164.5 (MANE Select); coding-DNA position 1619, T replaced by G.
Protein change: p.Leu540Arg; replaces leucine 540 with arginine.
Molecular consequence: missense variant.
Genome position (GRCh38, 1-based): chr2:177,230,984, A>C on the plus strand (T>G on the coding strand, the complement: NFE2L2 is on the minus strand). VCF-style: chr2-177230984-A-C. GRCh37 (hg19) VCF-style: chr2-178095712-A-C.
Other names: c.1571T>G, p.Leu524Arg (NM_001145412.3, NM_001313900.1, NM_001313901.1); c.1550T>G, p.Leu517Arg (NM_001145413.3); c.1529T>G, p.Leu510Arg (NM_001313902.2); c.1400T>G, p.Leu467Arg (NM_001313903.2); c.1319T>G, p.Leu440Arg (NM_001313904.1); short protein forms L517R, L510R, L440R, L467R, L540R, L524R.
Identifiers: ClinVar variation 3646223 (VCV003646223.2).
Genomic context (GRCh38, chr2:177,230,984, plus strand): 5'-AAGGTGCTGAGTTGTTTTTTCAGTAGGTGAAGGCTTTTGTCATTTTCTCCTTTTTCTTTG[A>C]GCAATTTTTCTTTTTCATCTTTCAAATGATCTAAATCTTGCTCTAGTTCTACTATATTTT-3'
Protein context (NP_006155.2, residues 530-550): DHLKDEKEKL[Leu540Arg]KEKGENDKSL

ClinVar aggregate classification (germline): Uncertain significance (1 of 4 stars; one submission).

Submission:

Labcorp Genetics (formerly Invitae), Labcorp
Classification: Uncertain significance. Last evaluated: 2024-03-16. Review status: criteria provided, single submitter. Criteria: Invitae Variant Classification Sherloc (09022015). Collection method: clinical testing. Allele origin: germline.
Comment: This sequence change replaces leucine, which is neutral and non-polar, with arginine, which is basic and polar, at codon 540 of the NFE2L2 protein (p.Leu540Arg). This variant is not present in population databases (gnomAD no frequency). This variant has not been reported in the literature in individuals affected with NFE2L2-related conditions. Advanced modeling of protein sequence and biophysical properties (such as structural, functional, and spatial information, amino acid conservation, physicochemical variation, residue mobility, and thermodynamic stability) performed at Invitae indicates that this missense variant is expected to disrupt NFE2L2 protein function with a positive predictive value of 80%. In summary, the available evidence is currently insufficient to determine the role of this variant in disease. Therefore, it has been classified as a Variant of Uncertain Significance.